The following is an entry in ClinVar:

ClinVar aggregate classification (germline): Uncertain significance (1 of 4 stars; one submission).

Submission:

GeneDx
Classification: Uncertain significance. Last evaluated: 2021-09-30. Review status: criteria provided, single submitter. Criteria: GeneDx Variant Classification Process June 2021. Collection method: clinical testing. Allele origin: germline. Affected: yes.
Comment: Not observed in large population cohorts (Lek et al., 2016); In silico analysis supports that this missense variant has a deleterious effect on protein structure/function; Has not been previously published as pathogenic or benign to our knowledge

NM_001039591.3(USP9X):c.2483A>G (p.Asp828Gly)

Gene: USP9X (ubiquitin specific peptidase 9 X-linked; plus strand). Cytogenetic location: Xp11.4.
Variant type: single nucleotide variant.
Coding change: c.2483A>G on transcript NM_001039591.3 (MANE Select); coding-DNA position 2483, A replaced by G.
Protein change: p.Asp828Gly; replaces aspartic acid 828 with glycine.
Molecular consequence: missense variant.
Genome position (GRCh38, 1-based): chrX:41,168,065, A>G. VCF-style: chrX-41168065-A-G. GRCh37 (hg19) VCF-style: chrX-41027318-A-G.
Other names: c.2483A>G, p.Asp828Gly (NM_001039590.3); short protein forms D828G.
Identifiers: ClinVar variation 1312585 (VCV001312585.2), dbSNP rs2147118016, ClinGen allele CA412756692.
Genomic context (GRCh38, chrX:41,168,065, plus strand): 5'-AGGTGGTGATCCATGAAGACTTCATTCAGTCTTGTTTTGATCGTCTGAAGGCTTCCTATG[A>G]CACATTGTGTGTTTTGGATGGTGACAAAGACAGTGTTAATTGTGCAAGACAGGAAGCTGT-3'
Protein context (NP_001034680.2, residues 818-838): SCFDRLKASY[Asp828Gly]TLCVLDGDKD